The following is an entry in ClinVar:

ClinVar aggregate classification (germline): Conflicting classifications of pathogenicity. Review status: criteria provided, conflicting classifications (1 of 4 stars). 7 submissions from 7 submitters: Uncertain significance (1); Likely benign (4). 2 of the submissions do not count toward it. Last evaluated 2026-02-02.

Conditions:
Farber lipogranulomatosis (FRBRL). Also called: Farber's lipogranulomatosis; AC DEFICIENCY; ACID CERAMIDASE DEFICIENCY; CERAMIDASE DEFICIENCY; N-LAURYLSPHINGOSINE DEACYLASE DEFICIENCY; Farber's disease. Identifiers: Orphanet 333, MedGen C0268255, MONDO:0009218, OMIM 228000.

Allele frequency attached by ClinVar (database versions not stated): 1000 Genomes Project 30x 0.00016; 1000 Genomes Project 0.00020; ESP Exome Variant Server 0.00038; ExAC 0.00053; gnomAD 0.00061; TOPMed 0.00061.
gnomAD v4.1: 1,332 of 1,592,562 alleles (0.084%); highest among the groups gnomAD compares: Middle Eastern, 0.22%; 2 homozygotes.

Submissions (7):

Labcorp Genetics (formerly Invitae), Labcorp
Classification: Likely benign. Last evaluated: 2026-02-02. Review status: criteria provided, single submitter. Criteria: Invitae Variant Classification Sherloc (09022015). Collection method: clinical testing. Allele origin: germline.

Mayo Clinic Laboratories, Mayo Clinic
Classification: Likely benign. Last evaluated: 2025-07-29. Review status: criteria provided, single submitter. Criteria: ACMG Guidelines, 2015. Collection method: clinical testing. Allele origin: germline. Observed: 2 variant alleles.
Comment: BS2_supporting, BP4, BP7

ARUP Laboratories, Molecular Genetics and Genomics, ARUP Laboratories
Classification: Likely benign. Last evaluated: 2024-09-27. Review status: criteria provided, single submitter. Criteria: ARUP Molecular Germline Variant Investigation Process 2024. Collection method: clinical testing. Allele origin: germline.

Blueprint Genetics
Classification: Likely benign. Last evaluated: 2024-09-06. Review status: criteria provided, single submitter. Criteria: ACMG Guidelines, 2015. Collection method: clinical testing. Allele origin: germline.

Illumina Laboratory Services, Illumina
Classification: Uncertain significance for Farber lipogranulomatosis. Last evaluated: 2018-01-13. Review status: criteria provided, single submitter. Criteria: ICSL Variant Classification Criteria 13 December 2019. Collection method: clinical testing. Allele origin: germline.

Clinical Genetics, Academic Medical Center
Classification: Benign. Review status: no assertion criteria provided. Collection method: clinical testing. Allele origin: germline. Affected: yes. Study: VKGL Data-share Consensus. Not counted in ClinVar's aggregate classification.

Genome Diagnostics Laboratory, University Medical Center Utrecht
Classification: Likely benign. Review status: no assertion criteria provided. Collection method: clinical testing. Allele origin: germline. Affected: yes. Study: VKGL Data-share Consensus. Not counted in ClinVar's aggregate classification.

NM_177924.5(ASAH1):c.382+10A>G

Gene: ASAH1 (N-acylsphingosine amidohydrolase 1; minus strand). Cytogenetic location: 8p22.
Variant type: single nucleotide variant.
Coding change: c.382+10A>G on transcript NM_177924.5 (MANE Select); 10 bases into the intron after coding-DNA position 382, A replaced by G.
Molecular consequence: intron variant.
Genome position (GRCh38, 1-based): chr8:18,067,210, T>C on the plus strand (A>G on the coding strand, the complement: ASAH1 is on the minus strand). VCF-style: chr8-18067210-T-C. GRCh37 (hg19) VCF-style: chr8-17924719-T-C.
Other names: p.?; c.430+10A>G (NM_004315.6); c.364+10A>G (NM_001127505.3); c.187+10A>G (NM_001363743.2).
Identifiers: ClinVar variation 772332 (VCV000772332.16), dbSNP rs201735910, ClinGen allele CA4650893.